The following is an entry in ClinVar:

ClinVar aggregate classification (germline): Likely benign. Review status: reviewed by expert panel (3 of 4 stars). 3 submissions from 3 submitters: Likely benign (1). 2 of the submissions do not count toward it. Last evaluated 2017-06-29.

Conditions:
Hereditary breast ovarian cancer syndrome. Also called: Hereditary breast and ovarian cancer; Hereditary breast and ovarian cancer syndrome; Breast and ovarian cancer; Hereditary breast and ovarian cancer syndrome (HBOC); Hereditary breast and/or ovarian cancer syndrome; BRCA1- and BRCA2-Associated Hereditary Breast and Ovarian Cancer. Identifiers: Orphanet 145, MedGen C0677776, MeSH D061325, MONDO:0003582. Disease mechanism: loss of function.
Hereditary cancer-predisposing syndrome. Also called: Hereditary Cancer Syndrome; Neoplastic Syndromes, Hereditary; Tumor predisposition; Hereditary neoplastic syndrome. Identifiers: Orphanet 140162, MedGen C0027672, MeSH D009386, MONDO:0015356.
Breast-ovarian cancer, familial, susceptibility to, 2 (BROVCA2). Also called: BRCA2 Hereditary Breast and Ovarian Cancer. Identifiers: Orphanet 145, MedGen C2675520, MONDO:0012933, OMIM 612555. Disease mechanism: loss of function.

Submissions (3):

Evidence-based Network for the Interpretation of Germline Mutant Alleles (ENIGMA)
Classification: Likely benign for Breast-ovarian cancer, familial, susceptibility to, 2. Last evaluated: 2017-06-29. Review status: reviewed by expert panel. Criteria: ENIGMA BRCA1/2 Classification Criteria (2017-06-29). Collection method: curation. Allele origin: germline.
Comment: Synonymous substitution variant, with low bioinformatic likelihood to result in a splicing aberration (Splicing prior probability 0.02).

Labcorp Genetics (formerly Invitae), Labcorp
Classification: Likely benign for Hereditary breast ovarian cancer syndrome. Last evaluated: 2023-04-15. Review status: criteria provided, single submitter. Criteria: Invitae Variant Classification Sherloc (09022015). Collection method: clinical testing. Allele origin: germline. Not counted in ClinVar's aggregate classification.

Ambry Genetics
Classification: Likely benign for Hereditary cancer-predisposing syndrome. Last evaluated: 2014-09-25. Review status: criteria provided, single submitter. Criteria: Ambry Variant Classification Scheme 2023. Collection method: clinical testing. Allele origin: germline. Not counted in ClinVar's aggregate classification.

NM_000059.4(BRCA2):c.381A>G (p.Ala127=)

Gene: BRCA2 (BRCA2 DNA repair associated; plus strand). Cytogenetic location: 13q13.1.
Variant type: single nucleotide variant.
Coding change: c.381A>G on transcript NM_000059.4 (MANE Select); coding-DNA position 381, A replaced by G.
Protein change: p.Ala127=; no amino-acid change (alanine 127 retained).
Molecular consequence: synonymous variant.
Genome position (GRCh38, 1-based): chr13:32,325,140, A>G. VCF-style: chr13-32325140-A-G. GRCh37 (hg19) VCF-style: chr13-32899277-A-G.
Identifiers: ClinVar variation 186118 (VCV000186118.16), dbSNP rs786202707, ClinGen allele CA018865.